The following is an entry in ClinVar:

ClinVar aggregate classification (germline): Uncertain significance. Review status: criteria provided, multiple submitters, no conflicts (2 of 4 stars). 2 submissions from 2 submitters: Uncertain significance (2). Last evaluated 2024-02-07.

Conditions:
Familial hypocalciuric hypercalcemia (FHH). Also called: Familial benign hypercalcemia. Identifiers: Orphanet 405, MedGen C1809471, MONDO:0018458.
Autosomal dominant hypocalcemia 1 (HYPOC1). Also called: HYPOCALCEMIA, FAMILIAL. Identifiers: MONDO:0011013, OMIM 601198, MedGen C3715128.
Nephrolithiasis/nephrocalcinosis. Identifiers: MedGen CN580796.

Submissions (2):

Ambry Genetics
Classification: Uncertain significance for Nephrolithiasis/nephrocalcinosis. Last evaluated: 2024-02-07. Review status: criteria provided, single submitter. Criteria: Ambry Variant Classification Scheme 2023. Collection method: clinical testing. Allele origin: germline.
Comment: The p.E1029K variant (also known as c.3085G>A), located in coding exon 6 of the CASR gene, results from a G to A substitution at nucleotide position 3085. The glutamic acid at codon 1029 is replaced by lysine, an amino acid with similar properties. This amino acid position is well conserved in available vertebrate species. In addition, the in silico prediction for this alteration is inconclusive. In addition, the evidence for the gene-disease relationship is limited for pancreatitis and cancer predisposition; therefore, the clinical significance of this variant for CASR-related pancreatitis and cancer predisposition is unclear. Based on the available evidence, the clinical significance of this alteration remains unclear.

Labcorp Genetics (formerly Invitae), Labcorp
Classification: Uncertain significance for Familial hypocalciuric hypercalcemia; Autosomal dominant hypocalcemia 1. Last evaluated: 2021-07-02. Review status: criteria provided, single submitter. Criteria: Invitae Variant Classification Sherloc (09022015). Collection method: clinical testing. Allele origin: germline.
Comment: Algorithms developed to predict the effect of missense changes on protein structure and function (SIFT, PolyPhen-2, Align-GVGD) all suggest that this variant is likely to be tolerated. In summary, the available evidence is currently insufficient to determine the role of this variant in disease. Therefore, it has been classified as a Variant of Uncertain Significance. This variant has not been reported in the literature in individuals affected with CASR-related conditions. This variant is not present in population databases (ExAC no frequency). This sequence change replaces glutamic acid with lysine at codon 1029 of the CASR protein (p.Glu1029Lys). The glutamic acid residue is moderately conserved and there is a small physicochemical difference between glutamic acid and lysine.

NM_000388.4(CASR):c.3085G>A (p.Glu1029Lys)

Gene: CASR (calcium sensing receptor; plus strand). Cytogenetic location: 3q21.1.
Variant type: single nucleotide variant.
Coding change: c.3085G>A on transcript NM_000388.4 (MANE Select); coding-DNA position 3085, G replaced by A.
Protein change: p.Glu1029Lys; replaces glutamic acid 1029 with lysine.
Molecular consequence: missense variant.
Genome position (GRCh38, 1-based): chr3:122,285,039, G>A. VCF-style: chr3-122285039-G-A. GRCh37 (hg19) VCF-style: chr3-122003886-G-A.
Other names: c.3115G>A, p.Glu1039Lys (NM_001178065.2); c.3085G>A (NM_000388.3); short protein forms E1029K, E1039K.
Identifiers: ClinVar variation 1517594 (VCV001517594.9), dbSNP rs2107651900, ClinGen allele CA354161404.
Genomic context (GRCh38, chr3:122,285,039, plus strand): 5'-CGACACGAGCCATTACTCCCGCTGCAGTGCGGGGAAACGGACTTAGATCTGACCGTCCAG[G>A]AAACAGGTCTGCAAGGACCTGTGGGTGGAGACCAGCGGCCAGAGGTGGAGGACCCTGAAG-3'
Protein context (NP_000379.3, residues 1019-1039): GETDLDLTVQ[Glu1029Lys]TGLQGPVGGD